The following is an entry in ClinVar:

NM_001308330.2(STXBP5L):c.1135G>A (p.Val379Met)

Gene: STXBP5L (syntaxin binding protein 5L; plus strand). Cytogenetic location: 3q13.33.
Variant type: single nucleotide variant.
Coding change: c.1135G>A on transcript NM_001308330.2 (MANE Select); coding-DNA position 1135, G replaced by A.
Protein change: p.Val379Met; replaces valine 379 with methionine.
Molecular consequence: missense variant. On other transcripts: non-coding transcript variant (1).
Genome position (GRCh38, 1-based): chr3:121,233,639, G>A. VCF-style: chr3-121233639-G-A. GRCh37 (hg19) VCF-style: chr3-120952486-G-A.
Other names: c.1135G>A, p.Val379Met (NM_001348344.2, NM_001348345.2, NM_014980.3 and 1 more transcripts); short protein forms V379M.
Identifiers: ClinVar variation 634493 (VCV000634493.29), dbSNP rs61996323, ClinGen allele CA2561378.

ClinVar aggregate classification (germline): Conflicting classifications of pathogenicity. Review status: criteria provided, conflicting classifications (1 of 4 stars). 3 submissions from 3 submitters: Uncertain significance (2); Likely benign (1). Last evaluated 2023-02-01.

Allele frequency attached by ClinVar (database versions not stated): 1000 Genomes Project 0.00339; 1000 Genomes Project 30x 0.00390; TOPMed 0.00531; gnomAD exomes 0.00541; gnomAD 0.00545 and 0.00546; ExAC 0.00571; ESP Exome Variant Server 0.00629.
gnomAD v4.1: 12,265 of 1,612,004 alleles (0.76%); highest among the groups gnomAD compares: Non-Finnish European, 0.93%; 62 homozygotes.

Submissions (3):

CeGaT Center for Human Genetics Tuebingen
Classification: Likely benign. Last evaluated: 2023-02-01. Review status: criteria provided, single submitter. Criteria: CeGaT Center For Human Genetics Tuebingen Variant Classification Criteria Version 2. Collection method: clinical testing. Allele origin: germline. Affected: yes. Observed: 1 variant allele.
Comment: STXBP5L: BS2

Genomic Research Center, Shahid Beheshti University of Medical Sciences
Classification: Uncertain significance. Last evaluated: 2019-01-01. Review status: criteria provided, single submitter. Criteria: ACMG Guidelines, 2015. Collection method: clinical testing. Allele origin: unknown. Affected: yes. Observed: 1 variant allele.

Breakthrough Genomics
Classification: Uncertain significance. Review status: criteria provided, single submitter. Criteria: ACMG Guidelines, 2015. Collection method: not provided. Allele origin: germline. Inheritance: Unknown mechanism. Affected: yes.